The following is an entry in ClinVar:

ClinVar aggregate classification (germline): Likely pathogenic (1 of 4 stars; one submission).

Conditions:
3-Methylglutaconic aciduria type 3 (MGCA3). Also called: OPA3, AUTOSOMAL RECESSIVE; OPTIC ATROPHY 3, AUTOSOMAL RECESSIVE; OPA3-Related 3-Methylglutaconic Aciduria; Costeff Syndrome. Identifiers: Orphanet 67047, MedGen C0574084, MONDO:0009787, OMIM 258501.

Submission:

Natera, Inc.
Classification: Likely pathogenic for 3-methylglutaconic aciduria type 3. Last evaluated: 2024-04-08. Review status: criteria provided, single submitter. Criteria: Natera Variant Classification Schema (03/2026). Collection method: clinical testing. Allele origin: germline.
Comment: The c.318_319dupGC variant in OPA3 is a frameshift variant predicted to elongate the protein beyond the termination codon. This variant may result in a truncated or dysfunctional protein product. This variant is rare in the general population with a frequency below the threshold expected for the associated phenotype(s). Given the available evidence, this variant is classified as Likely Pathogenic.

NM_025136.4(OPA3):c.318_319dup (p.Gln107fs)

Genes: OPA3 (outer mitochondrial membrane lipid metabolism regulator OPA3; minus strand), OPA3-RTN2 (OPA3-RTN2 readthrough; minus strand). Cytogenetic location: 19q13.32.
Variant type: Microsatellite.
Coding change: c.318_319dup on transcript NM_025136.4 (MANE Select); coding-DNA positions 318 to 319, 2 bases duplicated (GC; older notation c.318_319dupGC).
Protein change: p.Gln107fs; shifts the reading frame from glutamine 107.
Molecular consequence: frameshift variant. On other transcripts: intron variant (1).
Genome position (GRCh38, 1-based): chr19:45,553,735-45,553,736, GC duplicated on the plus strand (GC on the coding strand, the reverse complement: OPA3 is on the minus strand); duplicating any 2 consecutive bases within chr19:45,553,735-45,553,738 gives the same sequence; the c. name uses the placement nearest the transcript's 3' end. VCF-style (leftmost placement, unchanged base first): chr19-45553734-T-TGC. GRCh37 (hg19) VCF-style: chr19-46056992-T-TGC.
Other names: c.143-24282GC[3] (NM_001017989.3); short protein forms Q107fs.
Identifiers: ClinVar variation 4816244 (VCV004816244.1).